The following is an entry in ClinVar:

ClinVar aggregate classification (germline): Pathogenic (1 of 4 stars; one submission).

Conditions:
Coffin-Lowry syndrome (CLS). Also called: COFFIN-LOWRY SYNDROME, MILD; Mental retardation with osteocartilaginous abnormalities. Identifiers: Orphanet 192, MedGen C0265252, MONDO:0010561, OMIM 303600.

Submission:

Institute of Human Genetics, University of Leipzig Medical Center
Classification: Pathogenic for Coffin-Lowry syndrome. Last evaluated: 2025-05-28. Review status: criteria provided, single submitter. Criteria: ACMG Guidelines, 2015. Collection method: clinical testing. Allele origin: unknown. Inheritance: X-linked dominant inheritance. Affected: yes.
Comment: Criteria applied: PM2,PVS1

NM_004586.3(RPS6KA3):c.1357del (p.Ile453fs)

Gene: RPS6KA3 (ribosomal protein S6 kinase A3; minus strand). Cytogenetic location: Xp22.12.
Variant type: Deletion.
Coding change: c.1357del on transcript NM_004586.3 (MANE Select); coding-DNA position 1357, one base deleted (A; older notation c.1357delA).
Protein change: p.Ile453fs; shifts the reading frame from isoleucine 453.
Molecular consequence: frameshift variant.
Genome position (GRCh38, 1-based): chrX:20,169,488, T deleted on the plus strand (A on the coding strand, the reverse complement: RPS6KA3 is on the minus strand). VCF-style (leftmost placement, unchanged base first): chrX-20169487-AT-A. GRCh37 (hg19) VCF-style: chrX-20187605-AT-A.
Other names: short protein forms I453fs.
Identifiers: ClinVar variation 3901170 (VCV003901170.1).